The following is an entry in ClinVar:

NM_153460.4(IL17RC):c.1862T>C (p.Leu621Ser)

Gene: IL17RC (interleukin 17 receptor C; plus strand). Cytogenetic location: 3p25.3.
Variant type: single nucleotide variant.
Coding change: c.1862T>C on transcript NM_153460.4 (MANE Select); coding-DNA position 1862, T replaced by C.
Protein change: p.Leu621Ser; replaces leucine 621 with serine.
Molecular consequence: missense variant. On other transcripts: non-coding transcript variant (1).
Genome position (GRCh38, 1-based): chr3:9,933,292, T>C. VCF-style: chr3-9933292-T-C. GRCh37 (hg19) VCF-style: chr3-9974976-T-C.
Other names: c.1823T>C, p.Leu608Ser (NM_001203263.2); c.1772T>C, p.Leu591Ser (NM_001203264.2); c.1766T>C, p.Leu589Ser (NM_001203265.2); c.1784T>C, p.Leu595Ser (NM_001367278.1); c.1703T>C, p.Leu568Ser (NM_001367279.1); c.1778T>C, p.Leu593Ser (NM_001367280.1); c.1817T>C, p.Leu606Ser (NM_032732.6); c.2075T>C, p.Leu692Ser (NM_153461.4); short protein forms L591S, L606S, L621S, L589S, L595S, L692S, L568S, L593S.
Identifiers: ClinVar variation 638978 (VCV000638978.7), dbSNP rs201296441, ClinGen allele CA2247432.

ClinVar aggregate classification (germline): Uncertain significance (1 of 4 stars; one submission).

Conditions:
Candidiasis, familial, 9 (CANDF9). Identifiers: Orphanet 1334, MedGen C4225324, MONDO:0014642, OMIM 616445.

Allele frequency attached by ClinVar (database versions not stated): ESP Exome Variant Server 0.00008; TOPMed 0.00017; gnomAD 0.00020 and 0.00021; gnomAD exomes 0.00023; ExAC 0.00024.
gnomAD v4.1: 349 of 1,604,504 alleles (0.022%); highest among the groups gnomAD compares: Non-Finnish European, 0.026%; 2 homozygotes.

Submission:

Labcorp Genetics (formerly Invitae), Labcorp
Classification: Uncertain significance for Candidiasis, familial, 9. Last evaluated: 2026-01-18. Review status: criteria provided, single submitter. Criteria: Invitae Variant Classification Sherloc (09022015). Collection method: clinical testing. Allele origin: germline.
Comment: This sequence change replaces leucine, which is neutral and non-polar, with serine, which is neutral and polar, at codon 692 of the IL17RC protein (p.Leu692Ser). This variant is present in population databases (rs201296441, gnomAD 0.05%), and has an allele count higher than expected for a pathogenic variant. This variant has not been reported in the literature in individuals affected with IL17RC-related conditions. ClinVar contains an entry for this variant (Variation ID: 638978). An algorithm developed to predict the effect of missense changes on protein structure and function (PolyPhen-2) suggests that this variant is likely to be tolerated. In summary, the available evidence is currently insufficient to determine the role of this variant in disease. Therefore, it has been classified as a Variant of Uncertain Significance.